The following is an entry in ClinVar:

ClinVar aggregate classification (germline): Uncertain significance (1 of 4 stars; one submission).

Conditions:
Primary ciliary dyskinesia. Also called: Ciliary dyskinesia. Identifiers: Orphanet 244, MedGen C0008780, MONDO:0016575, HP:0012265.

Submission:

Labcorp Genetics (formerly Invitae), Labcorp
Classification: Uncertain significance for Primary ciliary dyskinesia. Last evaluated: 2025-11-24. Review status: criteria provided, single submitter. Criteria: Invitae Variant Classification Sherloc (09022015). Collection method: clinical testing. Allele origin: germline.
Comment: This sequence change replaces threonine, which is neutral and polar, with lysine, which is basic and polar, at codon 112 of the CCDC40 protein (p.Thr112Lys). This variant is not present in population databases (gnomAD no frequency). This variant has not been reported in the literature in individuals affected with CCDC40-related conditions. ClinVar contains an entry for this variant (Variation ID: 1718404). An algorithm developed to predict the effect of missense changes on protein structure and function (PolyPhen-2) suggests that this variant is likely to be tolerated. In summary, the available evidence is currently insufficient to determine the role of this variant in disease. Therefore, it has been classified as a Variant of Uncertain Significance.

NM_017950.4(CCDC40):c.335C>A (p.Thr112Lys)

Gene: CCDC40 (coiled-coil domain 40 molecular ruler complex subunit; plus strand). Cytogenetic location: 17q25.3.
Variant type: single nucleotide variant.
Coding change: c.335C>A on transcript NM_017950.4 (MANE Select); coding-DNA position 335, C replaced by A.
Protein change: p.Thr112Lys; replaces threonine 112 with lysine.
Molecular consequence: missense variant.
Genome position (GRCh38, 1-based): chr17:80,040,053, C>A. VCF-style: chr17-80040053-C-A. GRCh37 (hg19) VCF-style: chr17-78013852-C-A.
Other names: c.335C>A, p.Thr112Lys (NM_001243342.2, NM_001330508.2); short protein forms T112K.
Identifiers: ClinVar variation 1718404 (VCV001718404.6), dbSNP rs1229219183, ClinGen allele CA401348088.